The following is an entry in ClinVar:

NM_007294.4(BRCA1):c.5332+490T>A

Gene: BRCA1 (BRCA1 DNA repair associated; minus strand). Cytogenetic location: 17q21.31.
Variant type: single nucleotide variant.
Coding change: c.5332+490T>A on transcript NM_007294.4 (MANE Select); 490 bases into the intron after coding-DNA position 5332, T replaced by A.
Molecular consequence: intron variant.
Genome position (GRCh38, 1-based): chr17:43,050,573, A>T on the plus strand (T>A on the coding strand, the complement: BRCA1 is on the minus strand). VCF-style: chr17-43050573-A-T. GRCh37 (hg19) VCF-style: chr17-41202590-A-T.
Other names: IVS 21+490T>A; c.1879+490T>A (NM_001408458.1, NM_001408461.1, NM_001408464.1 and 7 more transcripts); c.4441+490T>A (NM_001407967.1); c.4951+490T>A (NM_001407959.1); c.5065+490T>A (NM_001407931.1, NM_001407932.1, NM_001407928.1 and 4 more transcripts); c.5188+490T>A (NM_001407747.1, NM_001407745.1, NM_001407737.1 and 21 more transcripts); c.4948+490T>A (NM_001407962.1, NM_001407960.1); c.1519+490T>A (NM_001408512.1); and 75 more.
Identifiers: ClinVar variation 209254 (VCV000209254.2), dbSNP rs11079053, ClinGen allele CA276226.

ClinVar aggregate classification (germline): Benign (3 of 4 stars; one submission).

Conditions:
Breast-ovarian cancer, familial, susceptibility to, 1 (BROVCA1). Also called: BRCA1 Hereditary Breast and Ovarian Cancer; OVARIAN CANCER, SUSCEPTIBILITY TO. Identifiers: Orphanet 145, MedGen C2676676, MONDO:0011450, OMIM 604370. Disease mechanism: loss of function.

Allele frequency attached by ClinVar (database versions not stated): gnomAD 0.03396 and 0.03638; 1000 Genomes Project 0.03714; TOPMed 0.03824; 1000 Genomes Project 30x 0.03857.
gnomAD v4.1: 5,061 of 150,624 alleles (3.4%); highest among the groups gnomAD compares: African/African-American, 12%; 301 homozygotes.

Submission:

Evidence-based Network for the Interpretation of Germline Mutant Alleles (ENIGMA)
Classification: Benign for Breast-ovarian cancer, familial 1. Last evaluated: 2015-01-12. Review status: reviewed by expert panel. Criteria: ENIGMA BRCA1/2 Classification Criteria (2015). Collection method: curation. Allele origin: germline.
Comment: Class 1 not pathogenic based on frequency >1% in an outbred sampleset. Frequency 0.1199 (African), derived from 1000 genomes (2012-04-30).